The following is an entry in ClinVar:

ClinVar aggregate classification (germline): Uncertain significance. Review status: criteria provided, multiple submitters, no conflicts (2 of 4 stars). 2 submissions from 2 submitters: Uncertain significance (2). Last evaluated 2026-03-06.

Conditions:
TTN-related disorder. Also called: TTN-related condition; TTN-related disease; TTN-related disorders.

Submissions (2):

PreventionGenetics, part of Exact Sciences
Classification: Uncertain significance for TTN-related condition. Last evaluated: 2026-03-06. Review status: criteria provided, single submitter. Criteria: ACMG Guidelines, 2015. Collection method: clinical testing. Allele origin: germline.
Comment: The TTN c.18109G>A variant is predicted to result in the amino acid substitution p.Gly6037Ser. To our knowledge, this variant has not been reported in the literature. This variant is reported in 0.00090% of alleles in individuals of European (Non-Finnish) descent in gnomAD. At this time, the clinical significance of this variant is uncertain due to the absence of conclusive functional and genetic evidence.

Mayo Clinic Laboratories, Mayo Clinic
Classification: Uncertain significance. Last evaluated: 2025-07-30. Review status: criteria provided, single submitter. Criteria: ACMG Guidelines, 2015. Collection method: clinical testing. Allele origin: germline. Observed: 1 variant allele.
Comment: BP1

NM_001267550.2(TTN):c.18109G>A (p.Gly6037Ser)

Gene: TTN (titin; minus strand). Cytogenetic location: 2q31.2.
Variant type: single nucleotide variant.
Coding change: c.18109G>A on transcript NM_001267550.2 (MANE Select); coding-DNA position 18109, G replaced by A.
Protein change: p.Gly6037Ser; replaces glycine 6037 with serine.
Molecular consequence: missense variant. On other transcripts: intron variant (3).
Genome position (GRCh38, 1-based): chr2:178,730,291, C>T on the plus strand (G>A on the coding strand, the complement: TTN is on the minus strand). VCF-style: chr2-178730291-C-T. GRCh37 (hg19) VCF-style: chr2-179595018-C-T.
Other names: p.Gly5720Ser; c.17158G>A, p.Gly5720Ser (NM_001256850.1); c.14377G>A, p.Gly4793Ser (NM_133378.4); c.13282+7791G>A (NM_003319.4); c.13858+7791G>A (NM_133437.4); c.13657+7791G>A (NM_133432.3); short protein forms G6037S, G4793S, G5720S.
Identifiers: ClinVar variation 4540758 (VCV004540758.2).